The following is an entry in ClinVar:

NM_001848.3(COL6A1):c.1117A>G (p.Lys373Glu)

Gene: COL6A1 (collagen type VI alpha 1 chain; plus strand). Cytogenetic location: 21q22.3.
Variant type: single nucleotide variant.
Coding change: c.1117A>G on transcript NM_001848.3 (MANE Select); coding-DNA position 1117, A replaced by G.
Protein change: p.Lys373Glu; replaces lysine 373 with glutamic acid.
Molecular consequence: missense variant.
Genome position (GRCh38, 1-based): chr21:45,991,039, A>G. VCF-style: chr21-45991039-A-G. GRCh37 (hg19) VCF-style: chr21-47410953-A-G.
Other names: short protein forms K373E.
Identifiers: ClinVar variation 2884270 (VCV002884270.3), dbSNP rs144677931, ClinGen allele CA10070085.

ClinVar aggregate classification (germline): Uncertain significance (1 of 4 stars; one submission).

Conditions:
Bethlem myopathy 1A. Also called: Bethlem myopathy 1; MYOPATHY, BENIGN CONGENITAL, WITH CONTRACTURES; Bethlem Muscular Dystrophy. Identifiers: Orphanet 610, MedGen CN029274, MONDO:0024530, OMIM 158810.

Allele frequency attached by ClinVar (database versions not stated): gnomAD 0.00002; TOPMed 0.00002; ESP Exome Variant Server 0.00008.
gnomAD v4.1: 3 of 1,613,036 alleles (0.00019%); highest among the groups gnomAD compares: Non-Finnish European, 0.00025%; no homozygotes.

Submission:

Labcorp Genetics (formerly Invitae), Labcorp
Classification: Uncertain significance for Bethlem myopathy 1A. Last evaluated: 2025-08-27. Review status: criteria provided, single submitter. Criteria: Invitae Variant Classification Sherloc (09022015). Collection method: clinical testing. Allele origin: germline.
Comment: This sequence change replaces lysine, which is basic and polar, with glutamic acid, which is acidic and polar, at codon 373 of the COL6A1 protein (p.Lys373Glu). This variant is present in population databases (rs144677931, gnomAD 0.002%). This variant has not been reported in the literature in individuals affected with COL6A1-related conditions. ClinVar contains an entry for this variant (Variation ID: 2884270). Experimental studies and prediction algorithms are not available or were not evaluated, and the functional significance of this variant is currently unknown. In summary, the available evidence is currently insufficient to determine the role of this variant in disease. Therefore, it has been classified as a Variant of Uncertain Significance.